The following is an entry in ClinVar:

NM_001042492.3(NF1):c.4244A>G (p.Asn1415Ser)

Gene: NF1 (neurofibromin 1; plus strand). Cytogenetic location: 17q11.2.
Variant type: single nucleotide variant.
Coding change: c.4244A>G on transcript NM_001042492.3 (MANE Select); coding-DNA position 4244, A replaced by G.
Protein change: p.Asn1415Ser; replaces asparagine 1415 with serine.
Molecular consequence: missense variant.
Genome position (GRCh38, 1-based): chr17:31,258,414, A>G. VCF-style: chr17-31258414-A-G. GRCh37 (hg19) VCF-style: chr17-29585432-A-G.
Other names: c.4181A>G, p.Asn1394Ser (NM_000267.4); short protein forms N1394S, N1415S.
Identifiers: ClinVar variation 663890 (VCV000663890.7), dbSNP rs1406169018, ClinGen allele CA398997875.

ClinVar aggregate classification (germline): Uncertain significance. Review status: criteria provided, multiple submitters, no conflicts (2 of 4 stars). 2 submissions from 2 submitters: Uncertain significance (2). Last evaluated 2024-01-03.

Conditions:
Hereditary cancer-predisposing syndrome. Also called: Neoplastic Syndromes, Hereditary; Hereditary neoplastic syndrome; Tumor predisposition; Hereditary Cancer Syndrome. Identifiers: Orphanet 140162, MedGen C0027672, MeSH D009386, MONDO:0015356.
Cardiovascular phenotype. Identifiers: MedGen CN230736.
Neurofibromatosis, type 1 (NF1). Also called: VON RECKLINGHAUSEN DISEASE; NEUROFIBROMATOSIS, TYPE I, SOMATIC; Peripheral type neurofibromatosis; Neurofibromatosis, type I. Identifiers: Orphanet 636, MedGen C0027831, MONDO:0018975, OMIM 162200. Disease mechanism: loss of function.

Allele frequency attached by ClinVar (database versions not stated): gnomAD exomes below 0.00001; gnomAD 0.00001; TOPMed 0.00001.
gnomAD v4.1: 2 of 1,613,892 alleles (0.00012%); highest among the groups gnomAD compares: African/African-American, 0.0013%; no homozygotes.

Submissions (2):

Labcorp Genetics (formerly Invitae), Labcorp
Classification: Uncertain significance for Neurofibromatosis, type 1. Last evaluated: 2024-01-03. Review status: criteria provided, single submitter. Criteria: Invitae Variant Classification Sherloc (09022015). Collection method: clinical testing. Allele origin: germline.
Comment: This sequence change replaces asparagine, which is neutral and polar, with serine, which is neutral and polar, at codon 1394 of the NF1 protein (p.Asn1394Ser). This variant is present in population databases (no rsID available, gnomAD 0.004%). This variant has not been reported in the literature in individuals affected with NF1-related conditions. ClinVar contains an entry for this variant (Variation ID: 663890). Advanced modeling of protein sequence and biophysical properties (such as structural, functional, and spatial information, amino acid conservation, physicochemical variation, residue mobility, and thermodynamic stability) performed at Invitae indicates that this missense variant is expected to disrupt NF1 protein function with a positive predictive value of 95%. This variant disrupts the p.Asn1394 amino acid residue in NF1. Other variant(s) that disrupt this residue have been determined to be pathogenic (PMID: 31717729; Invitae). This suggests that this residue is clinically significant, and that variants that disrupt this residue are likely to be disease-causing. In summary, the available evidence is currently insufficient to determine the role of this variant in disease. Therefore, it has been classified as a Variant of Uncertain Significance.

Ambry Genetics
Classification: Uncertain significance for Cardiovascular phenotype; Hereditary cancer-predisposing syndrome. Last evaluated: 2023-09-20. Review status: criteria provided, single submitter. Criteria: Ambry Variant Classification Scheme 2023. Collection method: clinical testing. Allele origin: germline.
Comment: The p.N1394S variant (also known as c.4181A>G), located in coding exon 31 of the NF1 gene, results from an A to G substitution at nucleotide position 4181. The asparagine at codon 1394 is replaced by serine, an amino acid with highly similar properties. This amino acid position is highly conserved in available vertebrate species. In addition, the in silico prediction for this alteration is inconclusive. Since supporting evidence is limited at this time, the clinical significance of this alteration remains unclear.

Literature cited by the submitters: PubMed 31717729 (cited by Labcorp Genetics (formerly Invitae), Labcorp).